The following is an entry in ClinVar:

ClinVar aggregate classification (germline): Pathogenic (1 of 4 stars; one submission).

Conditions:
Severe combined immunodeficiency due to DCLRE1C deficiency (RS-SCID). Also called: SCID, AUTOSOMAL RECESSIVE, T CELL-NEGATIVE, B CELL-NEGATIVE, NK CELL-POSITIVE, WITH SENSITIVITY TO IONIZING RADIATION. Identifiers: Orphanet 275, MedGen C1865371, MONDO:0011225, OMIM 602450.

Submission:

Labcorp Genetics (formerly Invitae), Labcorp
Classification: Pathogenic for Athabaskan severe combined immunodeficiency. Last evaluated: 2021-05-06. Review status: criteria provided, single submitter. Criteria: Invitae Variant Classification Sherloc (09022015). Collection method: clinical testing. Allele origin: germline.
Comment: This variant is a gross deletion of the genomic region encompassing exon(s) 1-6 of the DCLRE1C gene, which includes the initiator codon. The 5' end of this event is unknown as it extends beyond the assayed region for this gene and therefore may encompass additional genes. The 3' boundary is likely confined to intron 6 of the DCLRE1C gene. It is expected to result in an absent or disrupted protein product. Loss-of-function variants in DCLRE1C are known to be pathogenic (PMID: 21664875, 26123418). This variant has not been reported in the literature in individuals with DCLRE1C-related conditions. For these reasons, this variant has been classified as Pathogenic.

Literature cited by the submitters: PubMed 21664875; PubMed 26123418.

NC_000010.10:g.(?_14977452)_(14996009_?)del

Gene: DCLRE1C (DNA cross-link repair 1C; minus strand). Cytogenetic location: 10p13.
Variant type: Deletion.
Identifiers: ClinVar variation 1460007 (VCV001460007.1).